The following is an entry in ClinVar:

NM_016306.6(DNAJB11):c.161C>G (p.Pro54Arg)

Gene: DNAJB11 (DnaJ heat shock protein family (Hsp40) member B11; plus strand). Cytogenetic location: 3q27.3.
Variant type: single nucleotide variant.
Coding change: c.161C>G on transcript NM_016306.6 (MANE Select); coding-DNA position 161, C replaced by G.
Protein change: p.Pro54Arg; replaces proline 54 with arginine.
Molecular consequence: missense variant. On other transcripts: non-coding transcript variant (6).
Genome position (GRCh38, 1-based): chr3:186,572,187, C>G. VCF-style: chr3-186572187-C-G. GRCh37 (hg19) VCF-style: chr3-186289976-C-G.
Other names: c.161C>G, p.Pro54Arg (NM_001378451.1); c.161C>G (NM_016306.4); short protein forms P54R.
Identifiers: ClinVar variation 549847 (VCV000549847.1), dbSNP rs1553849919, ClinGen allele CA355713131.

ClinVar aggregate classification (germline): Likely pathogenic. Review status: criteria provided, multiple submitters, no conflicts (2 of 4 stars). 3 submissions from 3 submitters: Likely pathogenic (2). 1 of the submissions does not count toward it. Last evaluated 2026-01-30.

Conditions:
Autosomal dominant polycystic kidney disease. Identifiers: Orphanet 730, MedGen C0085413, MONDO:0004691.
Polycystic kidney disease 6 with or without polycystic liver disease. Also called: Autosomal Dominant Polycystic Kidney Disease-DNAJB11. Identifiers: MedGen C4748044, MONDO:0054842, OMIM 618061.

Submissions (3):

Mayo Translational Polycystic Kidney Disease Center, Mayo Clinic
Classification: Likely pathogenic for Autosomal dominant polycystic kidney disease. Last evaluated: 2026-01-30. Review status: criteria provided, single submitter. Criteria: ACMG Guidelines, 2015. Collection method: research. Allele origin: germline. Inheritance: Autosomal dominant inheritance. Affected: yes.
Comment: The c.161C>G variant in the DNAJB11 gene results in a missense substitution of proline to arginine at codon 54 (p.Pro54Arg). This residue is highly conserved across species, suggesting functional importance. Multiple in silico prediction tools predict a deleterious effect on protein function, supporting PP3. The variant is absent from gnomAD v4.1.0, consistent with PM2. It has been observed in three affected individuals within a family with mild polycystic kidney disease, lending support to PP1 and PP4 (PMIDs: 29706351, 32631624).

SIB Swiss Institute of Bioinformatics
Classification: Likely pathogenic for Polycystic kidney disease 6 with or without polycystic liver disease. Last evaluated: 2018-10-15. Review status: criteria provided, single submitter. Criteria: ACMG Guidelines, 2015. Collection method: curation. Allele origin: germline.
Comment: This variant is interpreted as Likely Pathogenic, for Polycystic kidney disease 6 with or without polycystic liver disease, autosomal dominant. The following ACMG Tag(s) were applied: PM2 => Absent from controls (or at extremely low frequency if recessive) in Exome Sequencing Project, 1000 Genomes Project, or Exome Aggregation Consortium. PP3 => Multiple lines of computational evidence support a deleterious effect on the gene or gene product. PM1 => Located in a mutational hot spot and/or critical and well-established functional domain (e.g., active site of an enzyme) without benign variation. PP1 => Cosegregation with disease in multiple affected family members in a gene definitively known to cause the disease (PubMed 29706351).

OMIM
Classification: Pathogenic for POLYCYSTIC KIDNEY DISEASE 6 WITH OR WITHOUT POLYCYSTIC LIVER DISEASE. Last evaluated: 2018-07-27. Review status: no assertion criteria provided. Collection method: literature only. Allele origin: germline. Not counted in ClinVar's aggregate classification.

Literature cited by the submitters: PubMed 29706351 (cited by 3 submitters); PubMed 32631624 (cited by Mayo Translational Polycystic Kidney Disease Center, Mayo Clinic).